The following is an entry in ClinVar:

NM_004944.4(DNASE1L3):c.304T>C (p.Tyr102His)

Gene: DNASE1L3 (deoxyribonuclease 1L3; minus strand). Cytogenetic location: 3p14.3.
Variant type: single nucleotide variant.
Coding change: c.304T>C on transcript NM_004944.4 (MANE Select); coding-DNA position 304, T replaced by C.
Protein change: p.Tyr102His; replaces tyrosine 102 with histidine.
Molecular consequence: missense variant. On other transcripts: intron variant (1).
Genome position (GRCh38, 1-based): chr3:58,205,487, A>G on the plus strand (T>C on the coding strand, the complement: DNASE1L3 is on the minus strand). VCF-style: chr3-58205487-A-G. GRCh37 (hg19) VCF-style: chr3-58191214-A-G.
Other names: c.231-606T>C (NM_001256560.2); short protein forms Y102H.
Identifiers: ClinVar variation 998769 (VCV000998769.5), dbSNP rs1397140992, ClinGen allele CA353340377.

ClinVar aggregate classification (germline): Uncertain significance. Review status: criteria provided, multiple submitters, no conflicts (2 of 4 stars). 3 submissions from 3 submitters: Uncertain significance (3). Last evaluated 2024-07-23.

Conditions:
Autosomal systemic lupus erythematosus type 16. Also called: Systemic lupus erythematosus 16. Identifiers: Orphanet 300345, MedGen C3280742, MONDO:0013743, OMIM 614420.

Allele frequency attached by ClinVar (database versions not stated): gnomAD 0.00001; gnomAD exomes 0.00001; TOPMed 0.00001.

Submissions (3):

Blueprint Genetics
Classification: Uncertain significance. Last evaluated: 2024-07-23. Review status: criteria provided, single submitter. Criteria: ACMG Guidelines, 2015. Collection method: clinical testing. Allele origin: germline.

Fulgent Genetics
Classification: Uncertain significance for Autosomal systemic lupus erythematosus type 16. Last evaluated: 2022-02-15. Review status: criteria provided, single submitter. Criteria: ACMG Guidelines, 2015. Collection method: clinical testing. Allele origin: unknown.

Labcorp Genetics (formerly Invitae), Labcorp
Classification: Uncertain significance. Last evaluated: 2020-09-24. Review status: criteria provided, single submitter. Criteria: Invitae Variant Classification Sherloc (09022015). Collection method: clinical testing. Allele origin: germline.
Comment: This sequence change replaces tyrosine with histidine at codon 102 of the DNASE1L3 protein (p.Tyr102His). The tyrosine residue is highly conserved and there is a moderate physicochemical difference between tyrosine and histidine. This variant is not present in population databases (ExAC no frequency). This variant has not been reported in the literature in individuals with DNASE1L3-related conditions. Algorithms developed to predict the effect of missense changes on protein structure and function (SIFT, PolyPhen-2, Align-GVGD) all suggest that this variant is likely to be disruptive, but these predictions have not been confirmed by published functional studies and their clinical significance is uncertain. In summary, the available evidence is currently insufficient to determine the role of this variant in disease. Therefore, it has been classified as a Variant of Uncertain Significance.